The following is an entry in ClinVar:

ClinVar aggregate classification (germline): Uncertain significance (1 of 4 stars; one submission).

Conditions:
Inborn genetic diseases. Identifiers: MedGen C0950123, MeSH D030342.

gnomAD v4.1: 1 of 1,612,240 alleles (0.000062%); highest among the groups gnomAD compares: South Asian, 0.0011%; no homozygotes.

Submission:

Ambry Genetics
Classification: Uncertain significance for Inborn genetic diseases. Last evaluated: 2025-07-17. Review status: criteria provided, single submitter. Criteria: Ambry Variant Classification Scheme 2023. Collection method: clinical testing. Allele origin: germline.
Comment: The p.V599I variant (also known as c.1795G>A), located in coding exon 12 of the ERCC6L2 gene, results from a G to A substitution at nucleotide position 1795. The valine at codon 599 is replaced by isoleucine, an amino acid with highly similar properties. This amino acid position is conserved. In addition, this alteration is predicted to be tolerated by in silico analysis. Based on the available evidence, the clinical significance of this variant remains unclear.

NM_020207.7(ERCC6L2):c.1795G>A (p.Val599Ile)

Gene: ERCC6L2 (ERCC excision repair 6 like 2; plus strand). Cytogenetic location: 9q22.32.
Variant type: single nucleotide variant.
Coding change: c.1795G>A on transcript NM_020207.7 (MANE Select); coding-DNA position 1795, G replaced by A.
Protein change: p.Val599Ile; replaces valine 599 with isoleucine.
Molecular consequence: missense variant. On other transcripts: non-coding transcript variant (1).
Genome position (GRCh38, 1-based): chr9:95,941,497, G>A. VCF-style: chr9-95941497-G-A. GRCh37 (hg19) VCF-style: chr9-98703779-G-A.
Other names: c.1795G>A, p.Val599Ile (NM_001010895.4, NM_001375291.1, NM_001375292.1 and 2 more transcripts); short protein forms V599I.
Identifiers: ClinVar variation 4250584 (VCV004250584.1).